The following is an entry in ClinVar:

ClinVar aggregate classification (germline): Uncertain significance (1 of 4 stars; one submission).

Submission:

GeneDx
Classification: Uncertain significance. Last evaluated: 2026-02-26. Review status: criteria provided, single submitter. Criteria: GeneDx Variant Classification Process June 2021. Collection method: clinical testing. Allele origin: germline.
Comment: Not observed at significant frequency in large population cohorts (gnomAD); In silico analysis supports that this missense variant has a deleterious effect on protein structure/function; Has not been previously published as pathogenic or benign to our knowledge

NM_003128.3(SPTBN1):c.1612C>T (p.Leu538Phe)

Gene: SPTBN1 (spectrin beta, non-erythrocytic 1; plus strand). Cytogenetic location: 2p16.2.
Variant type: single nucleotide variant.
Coding change: c.1612C>T on transcript NM_003128.3 (MANE Select); coding-DNA position 1612, C replaced by T.
Protein change: p.Leu538Phe; replaces leucine 538 with phenylalanine.
Molecular consequence: missense variant.
Genome position (GRCh38, 1-based): chr2:54,626,202, C>T. VCF-style: chr2-54626202-C-T. GRCh37 (hg19) VCF-style: chr2-54853339-C-T.
Other names: c.1573C>T, p.Leu525Phe (NM_178313.3); short protein forms L525F, L538F.
Identifiers: ClinVar variation 4975079 (VCV004975079.1).